The following is an entry in ClinVar:

NM_002485.5(NBN):c.649G>T (p.Glu217Ter)

Gene: NBN (nibrin; minus strand). Cytogenetic location: 8q21.3.
Variant type: single nucleotide variant.
Coding change: c.649G>T on transcript NM_002485.5 (MANE Select); coding-DNA position 649, G replaced by T.
Protein change: p.Glu217Ter; replaces glutamic acid 217 with a stop codon.
Molecular consequence: nonsense.
Genome position (GRCh38, 1-based): chr8:89,971,226, C>A on the plus strand (G>T on the coding strand, the complement: NBN is on the minus strand). VCF-style: chr8-89971226-C-A. GRCh37 (hg19) VCF-style: chr8-90983454-C-A.
Other names: c.403G>T, p.Glu135Ter (NM_001024688.3); short protein forms E217*, E135*.
Identifiers: ClinVar variation 2820974 (VCV002820974.3), dbSNP rs760275251, ClinGen allele CA371659124.

ClinVar aggregate classification (germline): Pathogenic (1 of 4 stars; one submission).

Conditions:
Microcephaly, normal intelligence and immunodeficiency (NBS). Also called: SEEMANOVA SYNDROME II; IMMUNODEFICIENCY, MICROCEPHALY, AND CHROMOSOMAL INSTABILITY; Nijmegen breakage syndrome; Microcephaly with normal intelligence immunodeficiency and lymphoreticular malignancies; Nonsyndromal microcephaly autosomal recessive with normal intelligence; Seemanova syndrome 2. Identifiers: Orphanet 647, MedGen C0398791, MONDO:0009623, OMIM 251260.

Submission:

Labcorp Genetics (formerly Invitae), Labcorp
Classification: Pathogenic for Microcephaly, normal intelligence and immunodeficiency. Last evaluated: 2022-12-15. Review status: criteria provided, single submitter. Criteria: Invitae Variant Classification Sherloc (09022015). Collection method: clinical testing. Allele origin: germline.
Comment: For these reasons, this variant has been classified as Pathogenic. This variant has not been reported in the literature in individuals affected with NBN-related conditions. This variant is not present in population databases (gnomAD no frequency). This sequence change creates a premature translational stop signal (p.Glu217*) in the NBN gene. It is expected to result in an absent or disrupted protein product. Loss-of-function variants in NBN are known to be pathogenic (PMID: 9590180, 16415040).

Literature cited by the submitters: PubMed 9590180; PubMed 16415040.